The following is an entry in ClinVar:

NM_007192.4(SUPT16H):c.1629T>G (p.Phe543Leu)

Gene: SUPT16H (SPT16 homolog, facilitates chromatin remodeling subunit; minus strand). Cytogenetic location: 14q11.2.
Variant type: single nucleotide variant.
Coding change: c.1629T>G on transcript NM_007192.4 (MANE Select); coding-DNA position 1629, T replaced by G.
Protein change: p.Phe543Leu; replaces phenylalanine 543 with leucine.
Molecular consequence: missense variant.
Genome position (GRCh38, 1-based): chr14:21,362,830, A>C on the plus strand (T>G on the coding strand, the complement: SUPT16H is on the minus strand). VCF-style: chr14-21362830-A-C. GRCh37 (hg19) VCF-style: chr14-21830989-A-C.
Other names: short protein forms F543L.
Identifiers: ClinVar variation 3451339 (VCV003451339.2).
Genomic context (GRCh38, chr14:21,362,830, plus strand): 5'-ACCTGATGCACTGAATGTCAGTACCTTGATTGTGGCAATGTGAAACGGTGTTGCAATGCC[A>C]AACACGGGCATTATTACAGTCTCATATTTCTTATCGATGTAGATCTTCATTTCCCGAATA-3'
Protein context (NP_009123.1, residues 533-553): KKYETVIMPV[Phe543Leu]GIATPFHIAT

ClinVar aggregate classification (germline): Uncertain significance (1 of 4 stars; one submission).

Conditions:
Inborn genetic diseases. Identifiers: MedGen C0950123, MeSH D030342.

Submission:

Ambry Genetics
Classification: Uncertain significance for Inborn genetic diseases. Last evaluated: 2024-12-18. Review status: criteria provided, single submitter. Criteria: Ambry Variant Classification Scheme 2023. Collection method: clinical testing. Allele origin: germline.
Comment: The c.1629T>G (p.F543L) alteration is located in exon 14 (coding exon 14) of the SUPT16H gene. This alteration results from a T to G substitution at nucleotide position 1629, causing the phenylalanine (F) at amino acid position 543 to be replaced by a leucine (L). This variant was not reported in population-based cohorts in the Genome Aggregation Database (gnomAD). This amino acid position is highly conserved in available vertebrate species. This missense alteration is located in a region that has a low rate of benign missense variation (Lek, 2016; Firth, 2009). This alteration is predicted to be deleterious by in silico analysis. Based on insufficient or conflicting evidence, the clinical significance of this alteration remains unclear.